The following is an entry in ClinVar:

ClinVar aggregate classification (germline): Likely pathogenic (1 of 4 stars; one submission).

Conditions:
Fanconi anemia complementation group I (FANCI). Also called: FANCI-Related Fanconi Anemia. Identifiers: Orphanet 84, MedGen C1836861, MONDO:0012186, OMIM 609053.

Submission:

First Genomix Gene Laboratory, Genetic Diagnostics Department
Classification: Likely pathogenic for Fanconi anemia complementation group I. Last evaluated: 2025-06-16. Review status: criteria provided, single submitter. Criteria: ACMG Guidelines, 2015. Collection method: clinical testing. Allele origin: germline. Inheritance: Autosomal recessive inheritance. Affected: no. Observed: 1 variant allele.

NM_001113378.2(FANCI):c.3332del (p.Ser1111fs)

Gene: FANCI (FA complementation group I; plus strand). Cytogenetic location: 15q26.1.
Variant type: Deletion.
Coding change: c.3332del on transcript NM_001113378.2 (MANE Select); coding-DNA position 3332, one base deleted (G; older notation c.3332delG).
Protein change: p.Ser1111fs; shifts the reading frame from serine 1111.
Molecular consequence: frameshift variant.
Genome position (GRCh38, 1-based): chr15:89,305,681, G deleted. VCF-style (leftmost placement, unchanged base first): chr15-89305680-AG-A. GRCh37 (hg19) VCF-style: chr15-89848911-AG-A.
Other names: c.3053del, p.Ser1018fs (NM_001376910.1); c.3332del, p.Ser1111fs (NM_001376911.1); c.3152del, p.Ser1051fs (NM_018193.3); c.3332delG (NM_001113378.2); short protein forms S1018fs, S1051fs, S1111fs.
Identifiers: ClinVar variation 4849382 (VCV004849382.1).